The following is an entry in ClinVar:

NM_014714.4(IFT140):c.1520G>C (p.Trp507Ser)

Genes: IFT140 (intraflagellar transport 140; minus strand), LOC105371046 (uncharacterized LOC105371046; plus strand). Cytogenetic location: 16p13.3.
Variant type: single nucleotide variant.
Coding change: c.1520G>C on transcript NM_014714.4 (MANE Select); coding-DNA position 1520, G replaced by C.
Protein change: p.Trp507Ser; replaces tryptophan 507 with serine.
Molecular consequence: missense variant.
Genome position (GRCh38, 1-based): chr16:1,580,763, C>G on the plus strand (G>C on the coding strand, the complement: IFT140 is on the minus strand). VCF-style: chr16-1580763-C-G. GRCh37 (hg19) VCF-style: chr16-1630764-C-G.
Other names: c.1520G>C (NM_014714.3); short protein forms W507S.
Identifiers: ClinVar variation 2417308 (VCV002417308.6), dbSNP rs755959856, ClinGen allele CA394211754.

ClinVar aggregate classification (germline): Uncertain significance. Review status: criteria provided, multiple submitters, no conflicts (2 of 4 stars). 3 submissions from 3 submitters: Uncertain significance (3). Last evaluated 2026-03-19.

Conditions:
Saldino-Mainzer syndrome (SRTD9). Also called: short-rib thoracic dysplasia 9 with or without polydactyly; CONORENAL SYNDROME; SHORT-RIB THORACIC DYSPLASIA 9 WITHOUT POLYDACTYLY; Renal dysplasia, retinal pigmentary dystrophy, cerebellar ataxia and skeletal dysplasia. Identifiers: Orphanet 140969, MedGen C1849437, MONDO:0009964, OMIM 266920.
Inborn genetic diseases. Identifiers: MedGen C0950123, MeSH D030342.

gnomAD v4.1: 1 of 1,612,142 alleles (0.000062%); highest among the groups gnomAD compares: Non-Finnish European, 0.000085%; no homozygotes.

Submissions (3):

Ambry Genetics
Classification: Uncertain significance for Inborn genetic diseases. Last evaluated: 2026-03-19. Review status: criteria provided, single submitter. Criteria: Ambry Variant Classification Scheme 2023. Collection method: clinical testing. Allele origin: germline.

Labcorp Genetics (formerly Invitae), Labcorp
Classification: Uncertain significance for Saldino-Mainzer syndrome. Last evaluated: 2022-02-03. Review status: criteria provided, single submitter. Criteria: Invitae Variant Classification Sherloc (09022015). Collection method: clinical testing. Allele origin: germline.
Comment: This sequence change replaces tryptophan, which is neutral and slightly polar, with serine, which is neutral and polar, at codon 507 of the IFT140 protein (p.Trp507Ser). This variant is not present in population databases (gnomAD no frequency). This variant has not been reported in the literature in individuals affected with IFT140-related conditions. Algorithms developed to predict the effect of missense changes on protein structure and function (SIFT, PolyPhen-2, Align-GVGD) all suggest that this variant is likely to be tolerated. In summary, the available evidence is currently insufficient to determine the role of this variant in disease. Therefore, it has been classified as a Variant of Uncertain Significance.

Blueprint Genetics
Classification: Uncertain significance. Last evaluated: 2019-08-20. Review status: criteria provided, single submitter. Criteria: ACMG Guidelines, 2015. Collection method: clinical testing. Allele origin: germline.